The following is an entry in ClinVar:

NM_005876.5(SPEG):c.4606G>C (p.Glu1536Gln)

Gene: SPEG (striated muscle enriched protein kinase; plus strand). Cytogenetic location: 2q35.
Variant type: single nucleotide variant.
Coding change: c.4606G>C on transcript NM_005876.5 (MANE Select); coding-DNA position 4606, G replaced by C.
Protein change: p.Glu1536Gln; replaces glutamic acid 1536 with glutamine.
Molecular consequence: missense variant.
Genome position (GRCh38, 1-based): chr2:219,477,322, G>C. VCF-style: chr2-219477322-G-C. GRCh37 (hg19) VCF-style: chr2-220342044-G-C.
Other names: c.4606G>C (NM_005876.4); short protein forms E1536Q.
Identifiers: ClinVar variation 1721204 (VCV001721204.6), dbSNP rs1337133287, ClinGen allele CA350680996.
Genomic context (GRCh38, chr2:219,477,322, plus strand): 5'-GACCCCACTCTGCAGGACGAGGTGCTGCTGACCGAGAGCAGCCATGTGAGCTTCGTGTAC[G>C]AGGAGAATGAGTGCTCCCTGGTGGTGCTCAGCACGGGGGCCCAGGATGGAGGCGTCTACA-3'
Protein context (NP_005867.3, residues 1526-1546): TESSHVSFVY[Glu1536Gln]ENECSLVVLS

ClinVar aggregate classification (germline): Uncertain significance. Review status: criteria provided, multiple submitters, no conflicts (2 of 4 stars). 2 submissions from 2 submitters: Uncertain significance (2). Last evaluated 2023-12-04.

Conditions:
Inborn genetic diseases. Identifiers: MedGen C0950123, MeSH D030342.

Submissions (2):

Ambry Genetics
Classification: Uncertain significance for Inborn genetic diseases. Last evaluated: 2023-12-04. Review status: criteria provided, single submitter. Criteria: Ambry Variant Classification Scheme 2023. Collection method: clinical testing. Allele origin: germline.

Labcorp Genetics (formerly Invitae), Labcorp
Classification: Uncertain significance. Last evaluated: 2022-10-04. Review status: criteria provided, single submitter. Criteria: Invitae Variant Classification Sherloc (09022015). Collection method: clinical testing. Allele origin: germline.
Comment: This variant is present in population databases (no rsID available, gnomAD 0.0009%). Algorithms developed to predict the effect of missense changes on protein structure and function are either unavailable or do not agree on the potential impact of this missense change (SIFT: "Deleterious"; PolyPhen-2: "Probably Damaging"; Align-GVGD: "Class C0"). This variant has not been reported in the literature in individuals affected with SPEG-related conditions. This sequence change replaces glutamic acid, which is acidic and polar, with glutamine, which is neutral and polar, at codon 1536 of the SPEG protein (p.Glu1536Gln). In summary, the available evidence is currently insufficient to determine the role of this variant in disease. Therefore, it has been classified as a Variant of Uncertain Significance.